The following is an entry in ClinVar:

ClinVar aggregate classification (germline): Likely benign (1 of 4 stars; one submission).

Allele frequency attached by ClinVar (database versions not stated): gnomAD exomes 0.00001; TOPMed 0.00002; gnomAD 0.00003.
gnomAD v4.1: 25 of 1,613,596 alleles (0.0015%); highest among the groups gnomAD compares: Non-Finnish European, 0.0019%; no homozygotes.

Submission:

CeGaT Center for Human Genetics Tuebingen
Classification: Likely benign. Last evaluated: 2022-05-01. Review status: criteria provided, single submitter. Criteria: CeGaT Center For Human Genetics Tuebingen Variant Classification Criteria Version 2. Collection method: clinical testing. Allele origin: germline. Affected: yes. Observed: 1 variant allele.
Comment: ATP2A2: BP4, BP7

NM_170665.4(ATP2A2):c.1665C>T (p.Ser555=)

Gene: ATP2A2 (ATPase sarcoplasmic/endoplasmic reticulum Ca2+ transporting 2; plus strand). Cytogenetic location: 12q24.11.
Variant type: single nucleotide variant.
Coding change: c.1665C>T on transcript NM_170665.4 (MANE Select); coding-DNA position 1665, C replaced by T.
Protein change: p.Ser555=; no amino-acid change (serine 555 retained).
Molecular consequence: synonymous variant.
Genome position (GRCh38, 1-based): chr12:110,339,625, C>T. VCF-style: chr12-110339625-C-T. GRCh37 (hg19) VCF-style: chr12-110777430-C-T.
Other names: c.1560C>T, p.Ser520= (NM_001413013.1); c.1665C>T, p.Ser555= (NM_001413014.1, NM_001681.4); c.1290C>T, p.Ser430= (NM_001413015.1).
Identifiers: ClinVar variation 2643287 (VCV002643287.24), dbSNP rs751161679, ClinGen allele CA6783944.